The following is an entry in ClinVar:

NM_000264.5(PTCH1):c.3956G>A (p.Arg1319His)

Gene: PTCH1 (patched 1; minus strand). Cytogenetic location: 9q22.32.
Variant type: single nucleotide variant.
Coding change: c.3956G>A on transcript NM_000264.5 (MANE Select); coding-DNA position 3956, G replaced by A.
Protein change: p.Arg1319His; replaces arginine 1319 with histidine.
Molecular consequence: missense variant. On other transcripts: non-coding transcript variant (1).
Genome position (GRCh38, 1-based): chr9:95,447,300, C>T on the plus strand (G>A on the coding strand, the complement: PTCH1 is on the minus strand). VCF-style: chr9-95447300-C-T. GRCh37 (hg19) VCF-style: chr9-98209582-C-T.
Other names: c.3758G>A, p.Arg1253His (NM_001083602.3); c.3953G>A, p.Arg1318His (NM_001083603.3); c.3503G>A, p.Arg1168His (NM_001083604.3, NM_001083605.3, NM_001083606.3 and 1 more transcripts); c.3800G>A, p.Arg1267His (NM_001354918.2); short protein forms R1253H, R1319H, R1267H, R1168H, R1318H.
Identifiers: ClinVar variation 453873 (VCV000453873.18), dbSNP rs572658914, ClinGen allele CA5137991.
Genomic context (GRCh38, chr9:95,447,300, plus strand): 5'-CAGCGGGCCCTATTGCTAGGGCCAGAATGCCCTTCAGTAGAAATTTCAAAAGCGTCTCTG[C>T]GCGGTCTGTAGGGGGGTGGCCACAAGCCTTCTCTGGGGGGGTCCCTGCGGGGCTGCTGGC-3'
Protein context (NP_000255.2, residues 1309-1329): EGLWPPPYRP[Arg1319His]RDAFEISTEG

ClinVar aggregate classification (germline): Conflicting classifications of pathogenicity. Review status: criteria provided, conflicting classifications (1 of 4 stars). 5 submissions from 5 submitters: Uncertain significance (2); Likely benign (2). 1 of the submissions does not count toward it. Last evaluated 2026-01-30.

Conditions:
Hereditary cancer-predisposing syndrome. Also called: Neoplastic Syndromes, Hereditary; Hereditary Cancer Syndrome; Hereditary neoplastic syndrome; Tumor predisposition. Identifiers: Orphanet 140162, MedGen C0027672, MeSH D009386, MONDO:0015356.
Gorlin syndrome. Also called: Nevoid Basal Cell Carcinoma Syndrome; Basal cell nevus syndrome. Identifiers: Orphanet 377, MedGen C0004779, MONDO:0007187.
PTCH1-related disorder. Also called: PTCH1-related disorders; PTCH1-related condition.

Allele frequency attached by ClinVar (database versions not stated): ExAC 0.00002; gnomAD 0.00002 and 0.00003; gnomAD exomes 0.00002 and 0.00005; TOPMed 0.00003; 1000 Genomes Project 30x 0.00016; 1000 Genomes Project 0.00020.
gnomAD v4.1: 75 of 1,613,112 alleles (0.0046%); highest among the groups gnomAD compares: Non-Finnish European, 0.0058%; no homozygotes.

Submissions (5):

Labcorp Genetics (formerly Invitae), Labcorp
Classification: Likely benign for Gorlin syndrome. Last evaluated: 2026-01-30. Review status: criteria provided, single submitter. Criteria: Invitae Variant Classification Sherloc (09022015). Collection method: clinical testing. Allele origin: germline.

Ambry Genetics
Classification: Uncertain significance for Hereditary cancer-predisposing syndrome. Last evaluated: 2025-12-02. Review status: criteria provided, single submitter. Criteria: Ambry Variant Classification Scheme 2023. Collection method: clinical testing. Allele origin: germline.
Comment: The p.R1319H variant (also known as c.3956G>A), located in coding exon 23 of the PTCH1 gene, results from a G to A substitution at nucleotide position 3956. The arginine at codon 1319 is replaced by histidine, an amino acid with highly similar properties. This variant was detected as heterozygous in individual(s) with no reported features of PTCH1-related nevoid basal cell carcinoma syndrome (Ambry internal data). This amino acid position is highly conserved in available vertebrate species. In addition, this alteration is predicted to be deleterious by in silico analysis. Based on the available evidence, the clinical significance of this variant remains unclear.

Women's Health and Genetics/Laboratory Corporation of America, LabCorp
Classification: Uncertain significance. Last evaluated: 2025-11-24. Review status: criteria provided, single submitter. Criteria: LabCorp Variant Classification Summary - May 2015. Collection method: clinical testing. Allele origin: germline.
Comment: Variant summary: PTCH1 c.3956G>A (p.Arg1319His) results in a non-conservative amino acid change in the encoded protein sequence. Algorithms developed to predict the effect of missense changes on protein structure and function all suggest that this variant is likely to be disruptive. The variant allele was found at a frequency of 2.4e-05 in 246162 control chromosomes. The available data on variant occurrences in the general population are insufficient to allow any conclusion about variant significance. c.3956G>A has been observed with two other missense variants in three individuals affected with Nevoid Basal Cell Carcinoma Syndrome (Gorlin Syndrome) (Matsuzawa_2006). These report(s) do not provide unequivocal conclusions about association of the variant with Nevoid Basal Cell Carcinoma Syndrome (Gorlin Syndrome). To our knowledge, no experimental evidence demonstrating an impact on protein function has been reported. The following publication have been ascertained in the context of this evaluation (PMID: 17021131).ClinVar contains an entry for this variant (Variation ID: 453873). Based on the evidence outlined above, the variant was classified as uncertain significance.

Blueprint Genetics
Classification: Likely benign. Last evaluated: 2023-09-04. Review status: criteria provided, single submitter. Criteria: ACMG Guidelines, 2015. Collection method: clinical testing. Allele origin: germline.

PreventionGenetics, part of Exact Sciences
Classification: Uncertain significance for PTCH1-related condition. Last evaluated: 2024-08-12. Review status: no assertion criteria provided. Collection method: clinical testing. Allele origin: germline. Not counted in ClinVar's aggregate classification.
Comment: The PTCH1 c.3956G>A variant is predicted to result in the amino acid substitution p.Arg1319His. This variant has been reported in a mother and her two children with basal cell nevus syndrome; however, the variant co-occurred with two additional variants in the PTCH1 gene (Matsuzawa et al. 2006. PubMed ID: 17021131). This variant is reported in 0.0045% of alleles in individuals of European (Non-Finnish) descent in gnomAD and has conflicting interpretations in ClinVar ranging from likely benign to uncertain significance. At this time, the clinical significance of this variant is uncertain due to the absence of conclusive functional and genetic evidence.

Literature cited by the submitters: PubMed 17021131 (cited by Ambry Genetics and Women's Health and Genetics/Laboratory Corporation of America, LabCorp); PubMed 19557015 (cited by Ambry Genetics); PubMed 23061468 (cited by Ambry Genetics).